The following is an entry in ClinVar:

ClinVar aggregate classification (germline): Uncertain significance (1 of 4 stars; one submission).

Submission:

GeneDx
Classification: Uncertain significance. Last evaluated: 2024-11-19. Review status: criteria provided, single submitter. Criteria: GeneDx Variant Classification Process June 2021. Collection method: clinical testing. Allele origin: germline. Affected: yes.
Comment: Not observed at significant frequency in large population cohorts (gnomAD); In silico analysis indicates that this missense variant does not alter protein structure/function; Has not been previously published as pathogenic or benign to our knowledge

NM_001367721.1(CASK):c.1774A>G (p.Asn592Asp)

Gene: CASK (calcium/calmodulin dependent serine protein kinase; minus strand). Cytogenetic location: Xp11.4.
Variant type: single nucleotide variant.
Coding change: c.1774A>G on transcript NM_001367721.1 (MANE Select); coding-DNA position 1774, A replaced by G.
Protein change: p.Asn592Asp; replaces asparagine 592 with aspartic acid.
Molecular consequence: missense variant. On other transcripts: intron variant (2).
Genome position (GRCh38, 1-based): chrX:41,557,064, T>C on the plus strand (A>G on the coding strand, the complement: CASK is on the minus strand). VCF-style: chrX-41557064-T-C. GRCh37 (hg19) VCF-style: chrX-41416317-T-C.
Other names: c.1756A>G, p.Asn586Asp (NM_001410745.1); c.1774A>G, p.Asn592Asp (NM_003688.4); c.1720-1429A>G (NM_001126055.3); c.1738-1429A>G (NM_001126054.3); short protein forms N586D, N592D.
Identifiers: ClinVar variation 3899761 (VCV003899761.1).